The following is an entry in ClinVar:

NM_001113378.2(FANCI):c.418A>G (p.Lys140Glu)

Gene: FANCI (FA complementation group I; plus strand). Cytogenetic location: 15q26.1.
Variant type: single nucleotide variant.
Coding change: c.418A>G on transcript NM_001113378.2 (MANE Select); coding-DNA position 418, A replaced by G.
Protein change: p.Lys140Glu; replaces lysine 140 with glutamic acid.
Molecular consequence: missense variant.
Genome position (GRCh38, 1-based): chr15:89,261,714, A>G. VCF-style: chr15-89261714-A-G. GRCh37 (hg19) VCF-style: chr15-89804945-A-G.
Other names: c.139A>G, p.Lys47Glu (NM_001376910.1); c.418A>G, p.Lys140Glu (NM_001376911.1, NM_018193.3); short protein forms K140E, K47E.
Identifiers: ClinVar variation 1511914 (VCV001511914.8), dbSNP rs1410323660, ClinGen allele CA393738422.

ClinVar aggregate classification (germline): Uncertain significance. Review status: criteria provided, multiple submitters, no conflicts (2 of 4 stars). 2 submissions from 2 submitters: Uncertain significance (2). Last evaluated 2024-05-23.

Conditions:
Fanconi anemia (FA). Also called: Fanconi's anemia. Identifiers: Orphanet 84, MedGen C0015625, MeSH D005199, MONDO:0019391.
Fanconi anemia complementation group I (FANCI). Also called: FANCI-Related Fanconi Anemia. Identifiers: Orphanet 84, MedGen C1836861, MONDO:0012186, OMIM 609053.

Allele frequency attached by ClinVar (database versions not stated): gnomAD exomes below 0.00001; gnomAD 0.00001; TOPMed 0.00002.
gnomAD v4.1: 4 of 1,614,012 alleles (0.00025%); highest among the groups gnomAD compares: African/African-American, 0.004%; no homozygotes.

Submissions (2):

Labcorp Genetics (formerly Invitae), Labcorp
Classification: Uncertain significance for Fanconi anemia. Last evaluated: 2024-05-23. Review status: criteria provided, single submitter. Criteria: Invitae Variant Classification Sherloc (09022015). Collection method: clinical testing. Allele origin: germline.
Comment: This sequence change replaces lysine, which is basic and polar, with glutamic acid, which is acidic and polar, at codon 140 of the FANCI protein (p.Lys140Glu). This variant is present in population databases (no rsID available, gnomAD 0.007%). This variant has not been reported in the literature in individuals affected with FANCI-related conditions. ClinVar contains an entry for this variant (Variation ID: 1511914). Advanced modeling of protein sequence and biophysical properties (such as structural, functional, and spatial information, amino acid conservation, physicochemical variation, residue mobility, and thermodynamic stability) performed at Invitae indicates that this missense variant is not expected to disrupt FANCI protein function with a negative predictive value of 80%. In summary, the available evidence is currently insufficient to determine the role of this variant in disease. Therefore, it has been classified as a Variant of Uncertain Significance.

Fulgent Genetics
Classification: Uncertain significance for Fanconi anemia complementation group I. Last evaluated: 2021-12-14. Review status: criteria provided, single submitter. Criteria: ACMG Guidelines, 2015. Collection method: clinical testing. Allele origin: unknown.